The following is an entry in ClinVar:

ClinVar aggregate classification (germline): Conflicting classifications of pathogenicity. Review status: criteria provided, conflicting classifications (1 of 4 stars). 17 submissions from 13 submitters: Uncertain significance (5); Benign (6); Likely benign (5). 1 of the submissions does not count toward it. Last evaluated 2026-01-31.

Conditions:
TTN-related disorder. Also called: TTN-related disorders; TTN-related condition; TTN-related disease.
Cardiovascular phenotype. Identifiers: MedGen CN230736.
Dilated cardiomyopathy 1G (CMD1G). Identifiers: Orphanet 154, MedGen C1858763, MONDO:0011400, OMIM 604145.
Autosomal recessive limb-girdle muscular dystrophy type 2J (LGMDR10). Also called: MUSCULAR DYSTROPHY, LIMB-GIRDLE, AUTOSOMAL RECESSIVE 10; Limb-girdle muscular dystrophy, type 2J. Identifiers: Orphanet 140922, MedGen C1837342, MONDO:0012127, OMIM 608807.
Early-onset myopathy with fatal cardiomyopathy (CMYO5). Also called: Salih Myopathy; CONGENITAL MYOPATHY 5 WITH CARDIOMYOPATHY. Identifiers: Orphanet 289377, MedGen C2673677, MONDO:0012714, OMIM 611705. Disease mechanism: loss of function.
Myopathy, myofibrillar, 9, with early respiratory failure (MFM9). Also called: EDSTROM MYOPATHY; MYOPATHY, PROXIMAL, WITH EARLY RESPIRATORY MUSCLE INVOLVEMENT; Hereditary myopathy with early respiratory failure; Myopathy, distal, with early respiratory failure, autosomal dominant. Identifiers: Orphanet 178464, Orphanet 34521, MedGen C1863599, MONDO:0011362, OMIM 603689.
Cardiomyopathy (CMYO). Also called: Cardiomyopathies. Identifiers: Orphanet 167848, MedGen C0878544, MONDO:0004994, HP:0001638. Inheritance: Various modes of inheritance.
Tibial muscular dystrophy (TMD). Also called: Tibial muscular dystrophy, tardive; Udd Distal Myopathy – Tibial Muscular Dystrophy; UDD MYOPATHY. Identifiers: Orphanet 609, MedGen C1838244, MONDO:0010870, OMIM 600334.
Hypertrophic cardiomyopathy. Also called: HYPERTROPHIC MYOCARDIOPATHY. Identifiers: Orphanet 217569, MedGen C0007194, MeSH D002312, MONDO:0005045, HP:0001639.

Allele frequency attached by ClinVar (database versions not stated): gnomAD 0.00019 and 0.00033; TOPMed 0.00023; gnomAD exomes 0.00031 and 0.00050; ExAC 0.00048; 1000 Genomes Project 30x 0.00125; 1000 Genomes Project 0.00140.
gnomAD v4.1: 499 of 1,614,024 alleles (0.031%); highest among the groups gnomAD compares: East Asian, 0.94%; 2 homozygotes.

Submissions (17):

Labcorp Genetics (formerly Invitae), Labcorp
Classification: Benign for Dilated cardiomyopathy 1G; Autosomal recessive limb-girdle muscular dystrophy type 2J. Last evaluated: 2026-01-31. Review status: criteria provided, single submitter. Criteria: Invitae Variant Classification Sherloc (09022015). Collection method: clinical testing. Allele origin: germline.

Blueprint Genetics
Classification: Likely benign. Last evaluated: 2024-01-30. Review status: criteria provided, single submitter. Criteria: ACMG Guidelines, 2015. Collection method: clinical testing. Allele origin: germline.

Women's Health and Genetics/Laboratory Corporation of America, LabCorp
Classification: Likely benign. Last evaluated: 2023-05-15. Review status: criteria provided, single submitter. Criteria: LabCorp Variant Classification Summary - May 2015. Collection method: clinical testing. Allele origin: germline.

CHEO Genetics Diagnostic Laboratory, Children's Hospital of Eastern Ontario
Classification: Benign for Cardiomyopathy. Last evaluated: 2020-03-13. Review status: criteria provided, single submitter. Criteria: ACMG Guidelines, 2015. Collection method: clinical testing. Allele origin: germline.

Ambry Genetics
Classification: Likely benign for Cardiovascular phenotype. Last evaluated: 2019-05-29. Review status: criteria provided, single submitter. Criteria: Ambry Variant Classification Scheme 2023. Collection method: clinical testing. Allele origin: germline.

Athena Diagnostics
Classification: Benign. Last evaluated: 2018-10-18. Review status: criteria provided, single submitter. Criteria: Athena Diagnostics Criteria. Collection method: clinical testing. Allele origin: germline.

Illumina Laboratory Services, Illumina
Classification: Uncertain significance for Dilated cardiomyopathy 1G. Last evaluated: 2018-01-12. Review status: criteria provided, single submitter. Criteria: ICSL Variant Classification Criteria 13 December 2019. Collection method: clinical testing. Allele origin: germline.

Illumina Laboratory Services, Illumina
Classification: Uncertain significance for Early-onset myopathy with fatal cardiomyopathy. Last evaluated: 2018-01-12. Review status: criteria provided, single submitter. Criteria: ICSL Variant Classification Criteria 13 December 2019. Collection method: clinical testing. Allele origin: germline.

Illumina Laboratory Services, Illumina
Classification: Benign for Myopathy, myofibrillar, 9, with early respiratory failure. Last evaluated: 2018-01-12. Review status: criteria provided, single submitter. Criteria: ICSL Variant Classification Criteria 13 December 2019. Collection method: clinical testing. Allele origin: germline.
Comment: This variant was observed in the ICSL laboratory as part of a predisposition screen in an ostensibly healthy population. It had not been previously curated by ICSL or reported in the Human Gene Mutation Database (HGMD: prior to June 1st, 2018), and was therefore a candidate for classification through an automated scoring system. Utilizing variant allele frequency, disease prevalence and penetrance estimates, and inheritance mode, an automated score was calculated to assess if this variant is too frequent to cause the disease. Based on the score and internal cut-off values, a variant classified as benign is not then subjected to further curation. The score for this variant resulted in a classification of benign for this disease.

Illumina Laboratory Services, Illumina
Classification: Uncertain significance for Autosomal recessive limb-girdle muscular dystrophy type 2J. Last evaluated: 2018-01-12. Review status: criteria provided, single submitter. Criteria: ICSL Variant Classification Criteria 13 December 2019. Collection method: clinical testing. Allele origin: germline.

Illumina Laboratory Services, Illumina
Classification: Benign for Tibial muscular dystrophy. Last evaluated: 2018-01-12. Review status: criteria provided, single submitter. Criteria: ICSL Variant Classification Criteria 13 December 2019. Collection method: clinical testing. Allele origin: germline.
Comment: the same text as in the submission from Illumina Laboratory Services, Illumina above.

GeneDx
Classification: Benign. Last evaluated: 2017-04-21. Review status: criteria provided, single submitter. Criteria: GeneDx Variant Classification (06012015). Collection method: clinical testing. Allele origin: germline. Affected: yes.
Comment: This variant is considered likely benign or benign based on one or more of the following criteria: it is a conservative change, it occurs at a poorly conserved position in the protein, it is predicted to be benign by multiple in silico algorithms, and/or has population frequency not consistent with disease.

Eurofins Ntd Llc (ga)
Classification: Likely benign. Last evaluated: 2016-05-09. Review status: criteria provided, single submitter. Criteria: EGL Classification Definitions 2015. Collection method: clinical testing. Allele origin: germline. Observed: 1 variant allele, 1 heterozygote.

Genetic Services Laboratory, University of Chicago
Classification: Uncertain significance. Last evaluated: 2013-10-23. Review status: criteria provided, single submitter. Criteria: ACMG Guidelines, 2007. Collection method: clinical testing. Allele origin: germline.

Biesecker Lab/Clinical Genomics Section, National Institutes of Health
Classification: Uncertain significance. Last evaluated: 2013-06-24. Review status: criteria provided, single submitter. Criteria: Ng et al. (Circ Cardiovasc Genet. 2013). Collection method: research. Allele origin: unknown. Observed: 1 variant allele. Study: ClinSeq.
Comment: The study set was not selected for affection status in relation to any cancer. Pathogenicity categories were based on literature curation. See Pubmed ID:23861362 for details.

Medical sequencing

Genetics and Genomics Program, Sidra Medicine
Classification: Likely benign for Hypertrophic cardiomyopathy. Review status: criteria provided, single submitter. Criteria: ACMG Guidelines, 2015. Collection method: research. Allele origin: unknown. Affected: yes. Observed: 1 variant allele.

PreventionGenetics, part of Exact Sciences
Classification: Likely benign for TTN-related condition. Last evaluated: 2024-09-10. Review status: no assertion criteria provided. Collection method: clinical testing. Allele origin: germline. Not counted in ClinVar's aggregate classification.
Comment: This variant is classified as likely benign based on ACMG/AMP sequence variant interpretation guidelines (Richards et al. 2015 PMID: 25741868, with internal and published modifications).

NM_001267550.2(TTN):c.9338G>A (p.Arg3113His)

Gene: TTN (titin; minus strand). Cytogenetic location: 2q31.2.
Variant type: single nucleotide variant.
Coding change: c.9338G>A on transcript NM_001267550.2 (MANE Select); coding-DNA position 9338, G replaced by A.
Protein change: p.Arg3113His; replaces arginine 3113 with histidine.
Molecular consequence: missense variant.
Genome position (GRCh38, 1-based): chr2:178,767,892, C>T on the plus strand (G>A on the coding strand, the complement: TTN is on the minus strand). VCF-style: chr2-178767892-C-T. GRCh37 (hg19) VCF-style: chr2-179632619-C-T.
Other names: p.R3113H:CGC>CAC; c.9338G>A, p.Arg3113His (NM_001256850.1, NM_133378.4, NM_133379.5); c.9200G>A, p.Arg3067His (NM_003319.4, NM_133432.3, NM_133437.4); short protein forms R3113H, R3067H.
Identifiers: ClinVar variation 130688 (VCV000130688.40), dbSNP rs141258018, ClinGen allele CA289115.